The following is an entry in ClinVar:

ClinVar aggregate classification (germline): Pathogenic/Likely pathogenic. Review status: criteria provided, multiple submitters, no conflicts (2 of 4 stars). 4 submissions from 4 submitters: Pathogenic (2); Likely pathogenic (2). Last evaluated 2025-10-13.

Conditions:
Marfan syndrome (MFS). Also called: Marfan's syndrome; Marfan syndrome, classic; MARFAN SYNDROME, TYPE I; Marfan syndrome type 1; FBN1-Related Marfan Syndrome. Identifiers: Orphanet 284963, Orphanet 558, MedGen C0024796, MONDO:0007947, OMIM 154700.
Familial thoracic aortic aneurysm and aortic dissection (TAAD). Also called: Thoracic aortic aneurysms and dissections. Identifiers: Orphanet 91387, MedGen C4707243, MONDO:0019625.

Submissions (4):

Labcorp Genetics (formerly Invitae), Labcorp
Classification: Pathogenic for Marfan syndrome; Familial thoracic aortic aneurysm and aortic dissection. Last evaluated: 2025-10-13. Review status: criteria provided, single submitter. Criteria: Invitae Variant Classification Sherloc (09022015). Collection method: clinical testing. Allele origin: germline.
Comment: This sequence change replaces cysteine, which is neutral and slightly polar, with phenylalanine, which is neutral and non-polar, at codon 1687 of the FBN1 protein (p.Cys1687Phe). This variant is not present in population databases (gnomAD no frequency). This missense change has been observed in individual(s) with clinical features of Marfan syndrome (PMID: 25652356). ClinVar contains an entry for this variant (Variation ID: 1708070). Invitae Evidence Modeling of protein sequence and biophysical properties (such as structural, functional, and spatial information, amino acid conservation, physicochemical variation, residue mobility, and thermodynamic stability) indicates that this missense variant is expected to disrupt FBN1 protein function with a positive predictive value of 95%. This variant affects a cysteine residue in the EGF-like, TGFBP or hybrid motif domains of FBN1. Cysteine residues are believed to be involved in intramolecular disulfide bridges and have been shown to be important for FBN1 protein structure (PMID: 16905551, 19349279). In addition, missense substitutions affecting cysteine residues within these domains are significantly overrepresented among patients with Marfan syndrome (PMID: 16571647, 17701892). This variant disrupts the p.Cys1687 amino acid residue in FBN1. Other variant(s) that disrupt this residue have been observed in individuals with FBN1-related conditions (PMID: 25652356, 36582279; internal data), which suggests that this may be a clinically significant amino acid residue. For these reasons, this variant has been classified as Pathogenic.

Laboratory of Medical Genetics, National & Kapodistrian University of Athens
Classification: Likely pathogenic for Marfan syndrome. Last evaluated: 2022-09-22. Review status: criteria provided, single submitter. Criteria: ACMG Guidelines, 2015. Collection method: clinical testing. Allele origin: germline. Affected: yes.
Comment: PM1, PM2, PM5, PP2, PP3

GeneDx
Classification: Pathogenic. Last evaluated: 2022-04-07. Review status: criteria provided, single submitter. Criteria: GeneDx Variant Classification Process June 2021. Collection method: clinical testing. Allele origin: germline. Affected: yes.
Comment: In silico analysis supports that this missense variant has a deleterious effect on protein structure/function; Not observed at significant frequency in large population cohorts (gnomAD); Affects a cysteine residue within a calcium-binding EGF-like domain of the FBN1 gene, which may affect disulfide bonding and is predicted to alter the structure and function of the protein; cysteine substitutions in the calcium-binding EGF-like domains represent the majority of pathogenic missense changes associated with FBN1-related disorders (Collod-Beroud et al., 2003); This variant is associated with the following publications: (PMID: 25652356)

Laboratory for Molecular Medicine, Mass General Brigham Personalized Medicine
Classification: Likely pathogenic for Marfan syndrome. Last evaluated: 2020-08-24. Review status: criteria provided, single submitter. Criteria: ACMG Guidelines, 2015. Collection method: clinical testing. Allele origin: germline.
Comment: The p.Cys1687Phe variant in FBN1 has been identified in 1 individual with Marfan syndrome (Baudhuin 2015 PubMed: 25652356) and was absent from large population studies. Two additional variants involving this codon (p.Cys1687Arg and p.Cys1687Tyr) have been reported (Groth 2017 PMID: 27906200; Takeda 2018 PMID: 29848614). Computational prediction tools and conservation analyses suggest that this variant may impact the protein, though this information is not predictive enough to determine pathogenicity. Furthermore, this variant affects a highly conserved cysteine residue in the EGF-like domains, which is a common finding in individuals with Marfan syndrome (Schrijver 1999). In summary, although additional studies are required to fully establish its clinical significance, this variant meets criteria to be classified as likely pathogenic for autosomal dominant Marfan syndrome. ACMG/AMP Criteria applied: PM1; PM5_Supporting; PM2; PS4_Supporting; PP3.

Literature cited by the submitters: PubMed 25652356 (cited by Labcorp Genetics (formerly Invitae), Labcorp); PubMed 16905551 (cited by Labcorp Genetics (formerly Invitae), Labcorp); PubMed 19349279 (cited by Labcorp Genetics (formerly Invitae), Labcorp); PubMed 16571647 (cited by Labcorp Genetics (formerly Invitae), Labcorp); PubMed 17701892 (cited by Labcorp Genetics (formerly Invitae), Labcorp); PubMed 36582279 (cited by Labcorp Genetics (formerly Invitae), Labcorp).

NM_000138.5(FBN1):c.5060G>T (p.Cys1687Phe)

Gene: FBN1 (fibrillin 1; minus strand). Cytogenetic location: 15q21.1.
Variant type: single nucleotide variant.
Coding change: c.5060G>T on transcript NM_000138.5 (MANE Select); coding-DNA position 5060, G replaced by T.
Protein change: p.Cys1687Phe; replaces cysteine 1687 with phenylalanine.
Molecular consequence: missense variant.
Genome position (GRCh38, 1-based): chr15:48,463,904, C>A on the plus strand (G>T on the coding strand, the complement: FBN1 is on the minus strand). VCF-style: chr15-48463904-C-A. GRCh37 (hg19) VCF-style: chr15-48756101-C-A.
Other names: c.5060G>T, p.Cys1687Phe (NM_001406716.1); short protein forms C1687F.
Identifiers: ClinVar variation 1708070 (VCV001708070.7), dbSNP rs2505493108, ClinGen allele CA392349513.